The following is an entry in ClinVar:

NM_017780.4(CHD7):c.3140A>G (p.His1047Arg)

Gene: CHD7 (chromodomain helicase DNA binding protein 7; plus strand). Cytogenetic location: 8q12.2.
Variant type: single nucleotide variant.
Coding change: c.3140A>G on transcript NM_017780.4 (MANE Select); coding-DNA position 3140, A replaced by G.
Protein change: p.His1047Arg; replaces histidine 1047 with arginine.
Molecular consequence: missense variant. On other transcripts: intron variant (1).
Genome position (GRCh38, 1-based): chr8:60,822,685, A>G. VCF-style: chr8-60822685-A-G. GRCh37 (hg19) VCF-style: chr8-61735244-A-G.
Other names: c.1717-39544A>G (NM_001316690.1); short protein forms H1047R.
Identifiers: ClinVar variation 5010130 (VCV005010130.1).

ClinVar aggregate classification (germline): Likely pathogenic (1 of 4 stars; one submission).

Conditions:
Paediatric disorders.

gnomAD v4.1: 1 of 1,613,728 alleles (0.000062%); highest among the groups gnomAD compares: Admixed American, 0.0017%; no homozygotes.

Submission:

North West Genomic Laboratory Hub, Manchester University NHS Foundation Trust
Classification: Likely pathogenic for Paediatric disorders. Last evaluated: 2025-11-18. Review status: criteria provided, single submitter. Criteria: ACGS Best Practice Guidelines for Variant Classification in Rare Disease 2024. Collection method: clinical testing. Allele origin: germline. Affected: yes.
Comment: PP3_Supp PP2_Supp PP4_Mod PM2_Mod